The following is an entry in ClinVar:

NM_006073.4(TRDN):c.346T>A (p.Ser116Thr)

Gene: TRDN (triadin; minus strand). Cytogenetic location: 6q22.31.
Variant type: single nucleotide variant.
Coding change: c.346T>A on transcript NM_006073.4 (MANE Select); coding-DNA position 346, T replaced by A.
Protein change: p.Ser116Thr; replaces serine 116 with threonine.
Molecular consequence: missense variant.
Genome position (GRCh38, 1-based): chr6:123,548,499, A>T on the plus strand (T>A on the coding strand, the complement: TRDN is on the minus strand). VCF-style: chr6-123548499-A-T. GRCh37 (hg19) VCF-style: chr6-123869644-A-T.
Other names: c.346T>A, p.Ser116Thr (NM_001251987.2, NM_001256020.2, NM_001256021.2 and 1 more transcripts); short protein forms S116T.
Identifiers: ClinVar variation 960088 (VCV000960088.7), dbSNP rs768047321, ClinGen allele CA365568741.
Genomic context (GRCh38, chr6:123,548,499, plus strand): 5'-CTATGTTCTTTGTACCTTTATCAGTATCTTCGTCACCATCATCATCTTCTTCATCTTCAG[A>T]TGAGATGATGTCAGATAACAAAGAAAAGAAGCCATAGATCCAGTCCGTGGTTTCCTCCAT-3'
Protein context (NP_006064.2, residues 106-126): FFSLLSDIIS[Ser116Thr]EDEEDDDGDE

ClinVar aggregate classification (germline): Uncertain significance (1 of 4 stars; one submission).

Conditions:
Catecholaminergic polymorphic ventricular tachycardia 1. Also called: VENTRICULAR TACHYCARDIA, CATECHOLAMINERGIC POLYMORPHIC, 1, WITH OR WITHOUT ATRIAL DYSFUNCTION AND/OR DILATED CARDIOMYOPATHY; VENTRICULAR TACHYCARDIA, STRESS-INDUCED POLYMORPHIC 1; RYR2-Related Catecholaminergic Polymorphic Ventricular Tachycardia. Identifiers: Orphanet 3286, MedGen C1631597, MONDO:0011484, OMIM 604772.

Allele frequency attached by ClinVar (database versions not stated): TOPMed 0.00003.
gnomAD v4.1: 4 of 1,578,798 alleles (0.00025%); highest among the groups gnomAD compares: Admixed American, 0.0018%; no homozygotes.

Submission:

Labcorp Genetics (formerly Invitae), Labcorp
Classification: Uncertain significance for Catecholaminergic polymorphic ventricular tachycardia 1. Last evaluated: 2022-01-21. Review status: criteria provided, single submitter. Criteria: Invitae Variant Classification Sherloc (09022015). Collection method: clinical testing. Allele origin: germline.
Comment: In summary, the available evidence is currently insufficient to determine the role of this variant in disease. Therefore, it has been classified as a Variant of Uncertain Significance. Algorithms developed to predict the effect of missense changes on protein structure and function are either unavailable or do not agree on the potential impact of this missense change (SIFT: "Tolerated"; PolyPhen-2: "Not Available"; Align-GVGD: "Class C0"). ClinVar contains an entry for this variant (Variation ID: 960088). This variant has not been reported in the literature in individuals affected with TRDN-related conditions. This variant is present in population databases (no rsID available, gnomAD 0.001%). This sequence change replaces serine, which is neutral and polar, with threonine, which is neutral and polar, at codon 116 of the TRDN protein (p.Ser116Thr).